The following is an entry in ClinVar:

ClinVar aggregate classification (germline): Conflicting classifications of pathogenicity. Review status: criteria provided, conflicting classifications (1 of 4 stars). 4 submissions from 4 submitters: Uncertain significance (3); Likely benign (1). Last evaluated 2025-09-10.

Conditions:
Inborn genetic diseases. Identifiers: MedGen C0950123, MeSH D030342.
Brain small vessel disease 1 with or without ocular anomalies (BSVD1). Also called: PORENCEPHALY, TYPE 1, AUTOSOMAL DOMINANT; BRAIN SMALL VESSEL DISEASE WITH HEMORRHAGE; GOULD SYNDROME 1; Brain small vessel disease with or without ocular anomalies. Identifiers: Orphanet 2940, Orphanet 36383, Orphanet 99810, MedGen C4755307, MONDO:0008289, OMIM 175780.
Retinal arterial tortuosity. Also called: RETINAL HEMORRHAGE WITH VASCULAR TORTUOSITY; Retinal arteries, tortuosity of. Identifiers: Orphanet 75326, MedGen C0423401, MONDO:0008373, OMIM 180000, HP:0000631.
Microangiopathy and leukoencephalopathy, pontine, autosomal dominant. Also called: Pontine autosomal dominant microangiopathy with leukoencephalopathy; DEMENTIA, HEREDITARY MULTI-INFARCT, SWEDISH TYPE. Identifiers: Orphanet 477749, MedGen C5231411, MONDO:0032814, OMIM 618564.
Autosomal dominant familial hematuria-retinal arteriolar tortuosity-contractures syndrome. Also called: Angiopathy, hereditary, with nephropathy, aneurysms, and muscle cramps; Hereditary Angiopathy with Nephropathy, Aneurysms, and Muscle Cramps (HANAC) Syndrome. Identifiers: Orphanet 73229, MedGen C2673195, MONDO:0012726, OMIM 611773.
Hemorrhage, intracerebral, susceptibility to (ICH). Also called: Stroke, hemorrhagic, susceptibility to. Identifiers: MedGen C3281105, MONDO:0100533, OMIM 614519.

Allele frequency attached by ClinVar (database versions not stated): gnomAD exomes below 0.00001; gnomAD 0.00001; TOPMed 0.00002.
gnomAD v4.1: 7 of 1,614,088 alleles (0.00043%); highest among the groups gnomAD compares: Admixed American, 0.0067%; no homozygotes.

Submissions (4):

Labcorp Genetics (formerly Invitae), Labcorp
Classification: Uncertain significance. Last evaluated: 2025-09-10. Review status: criteria provided, single submitter. Criteria: Invitae Variant Classification Sherloc (09022015). Collection method: clinical testing. Allele origin: germline.
Comment: This sequence change replaces proline, which is neutral and non-polar, with leucine, which is neutral and non-polar, at codon 1054 of the COL4A1 protein (p.Pro1054Leu). This variant is not present in population databases (gnomAD no frequency). This variant has not been reported in the literature in individuals affected with COL4A1-related conditions. ClinVar contains an entry for this variant (Variation ID: 1344995). Invitae Evidence Modeling of protein sequence and biophysical properties (such as structural, functional, and spatial information, amino acid conservation, physicochemical variation, residue mobility, and thermodynamic stability) indicates that this missense variant is not expected to disrupt COL4A1 protein function with a negative predictive value of 95%. In summary, the available evidence is currently insufficient to determine the role of this variant in disease. Therefore, it has been classified as a Variant of Uncertain Significance.

Ambry Genetics
Classification: Likely benign for Inborn genetic diseases. Last evaluated: 2025-06-18. Review status: criteria provided, single submitter. Criteria: Ambry Variant Classification Scheme 2023. Collection method: clinical testing. Allele origin: germline.

Fulgent Genetics
Classification: Uncertain significance for Brain small vessel disease 1 with or without ocular anomalies; Retinal arterial tortuosity; Autosomal dominant familial hematuria-retinal arteriolar tortuosity-contractures syndrome; Hemorrhage, intracerebral, susceptibility to; Microangiopathy and leukoencephalopathy, pontine, autosomal dominant. Last evaluated: 2024-03-26. Review status: criteria provided, single submitter. Criteria: ACMG Guidelines, 2015. Collection method: clinical testing. Allele origin: germline.

GeneDx
Classification: Uncertain significance. Last evaluated: 2021-09-15. Review status: criteria provided, single submitter. Criteria: GeneDx Variant Classification Process June 2021. Collection method: clinical testing. Allele origin: germline. Affected: yes.
Comment: Has not been previously published as pathogenic or benign to our knowledge; Not observed at significant frequency in large population cohorts (gnomAD); In silico analysis supports that this missense variant does not alter protein structure/function

NM_001845.6(COL4A1):c.3161C>T (p.Pro1054Leu)

Gene: COL4A1 (collagen type IV alpha 1 chain; minus strand). Cytogenetic location: 13q34.
Variant type: single nucleotide variant.
Coding change: c.3161C>T on transcript NM_001845.6 (MANE Select); coding-DNA position 3161, C replaced by T.
Protein change: p.Pro1054Leu; replaces proline 1054 with leucine.
Molecular consequence: missense variant.
Genome position (GRCh38, 1-based): chr13:110,175,255, G>A on the plus strand (C>T on the coding strand, the complement: COL4A1 is on the minus strand). VCF-style: chr13-110175255-G-A. GRCh37 (hg19) VCF-style: chr13-110827602-G-A.
Other names: short protein forms P1054L.
Identifiers: ClinVar variation 1344995 (VCV001344995.8), dbSNP rs758076661, ClinGen allele CA256254248.